The following is an entry in ClinVar:

NM_001134382.3(IQSEC1):c.1529G>A (p.Arg510His)

Gene: IQSEC1 (IQ motif and Sec7 domain ArfGEF 1; minus strand). Cytogenetic location: 3p25.2.
Variant type: single nucleotide variant.
Coding change: c.1529G>A on transcript NM_001134382.3 (MANE Select); coding-DNA position 1529, G replaced by A.
Protein change: p.Arg510His; replaces arginine 510 with histidine.
Molecular consequence: missense variant.
Genome position (GRCh38, 1-based): chr3:12,935,487, C>T on the plus strand (G>A on the coding strand, the complement: IQSEC1 is on the minus strand). VCF-style: chr3-12935487-C-T. GRCh37 (hg19) VCF-style: chr3-12976987-C-T.
Other names: c.1205G>A, p.Arg402His (NM_001330619.3); c.1853G>A, p.Arg618His (NM_001376938.2); c.1571G>A, p.Arg524His (NM_014869.8); short protein forms R402H, R510H, R524H, R618H.
Identifiers: ClinVar variation 4872118 (VCV004872118.2).

ClinVar aggregate classification (germline): Likely benign (1 of 4 stars; one submission).

gnomAD v4.1: 1,055 of 1,613,610 alleles (0.065%); highest among the groups gnomAD compares: South Asian, 0.86%; 11 homozygotes.

Submission:

CeGaT Center for Human Genetics Tuebingen
Classification: Likely benign. Last evaluated: 2026-06-01. Review status: criteria provided, single submitter. Criteria: CeGaT Center For Human Genetics Tuebingen Variant Classification Criteria Version 2. Collection method: clinical testing. Allele origin: germline. Affected: yes. Observed: 1 variant allele.
Comment: IQSEC1: BS2